The following is an entry in ClinVar:

ClinVar aggregate classification (germline): Conflicting classifications of pathogenicity. Review status: criteria provided, conflicting classifications (1 of 4 stars). 2 submissions from 2 submitters: Uncertain significance (1); Likely benign (1). Last evaluated 2025-09-05.

Conditions:
Inborn genetic diseases. Identifiers: MedGen C0950123, MeSH D030342.

Allele frequency attached by ClinVar (database versions not stated): gnomAD exomes 0.00001; TOPMed 0.00001; ExAC 0.00002; gnomAD 0.00002.
gnomAD v4.1: 11 of 1,613,376 alleles (0.00068%); highest among the groups gnomAD compares: Admixed American, 0.018%; no homozygotes.

Submissions (2):

Ambry Genetics
Classification: Likely benign for Inborn genetic diseases. Last evaluated: 2025-09-05. Review status: criteria provided, single submitter. Criteria: Ambry Variant Classification Scheme 2023. Collection method: clinical testing. Allele origin: germline.

Labcorp Genetics (formerly Invitae), Labcorp
Classification: Uncertain significance. Last evaluated: 2024-11-04. Review status: criteria provided, single submitter. Criteria: Invitae Variant Classification Sherloc (09022015). Collection method: clinical testing. Allele origin: germline.
Comment: This sequence change replaces histidine, which is basic and polar, with tyrosine, which is neutral and polar, at codon 506 of the MED17 protein (p.His506Tyr). This variant is present in population databases (rs749506103, gnomAD 0.03%). This variant has not been reported in the literature in individuals affected with MED17-related conditions. ClinVar contains an entry for this variant (Variation ID: 2184457). Invitae Evidence Modeling of protein sequence and biophysical properties (such as structural, functional, and spatial information, amino acid conservation, physicochemical variation, residue mobility, and thermodynamic stability) indicates that this missense variant is not expected to disrupt MED17 protein function with a negative predictive value of 80%. In summary, the available evidence is currently insufficient to determine the role of this variant in disease. Therefore, it has been classified as a Variant of Uncertain Significance.

NM_004268.5(MED17):c.1516C>T (p.His506Tyr)

Gene: MED17 (mediator complex subunit 17; plus strand). Cytogenetic location: 11q21.
Variant type: single nucleotide variant.
Coding change: c.1516C>T on transcript NM_004268.5 (MANE Select); coding-DNA position 1516, C replaced by T.
Protein change: p.His506Tyr; replaces histidine 506 with tyrosine.
Molecular consequence: missense variant.
Genome position (GRCh38, 1-based): chr11:93,807,567, C>T. VCF-style: chr11-93807567-C-T. GRCh37 (hg19) VCF-style: chr11-93540733-C-T.
Other names: c.1516C>T (NM_004268.4); short protein forms H506Y.
Identifiers: ClinVar variation 2184457 (VCV002184457.4), dbSNP rs749506103, ClinGen allele CA6232643.